The following is an entry in ClinVar:

NM_020806.5(GPHN):c.1987T>C (p.Ser663Pro)

Genes: GPHN (gephyrin; plus strand), LOC126861970 (MED14-independent group 3 enhancer GRCh37_chr14:67634697-67635896; plus strand). Cytogenetic location: 14q23.3.
Variant type: single nucleotide variant.
Coding change: c.1987T>C on transcript NM_020806.5 (MANE Select); coding-DNA position 1987, T replaced by C.
Protein change: p.Ser663Pro; replaces serine 663 with proline.
Molecular consequence: missense variant.
Genome position (GRCh38, 1-based): chr14:67,168,944, T>C. VCF-style: chr14-67168944-T-C. GRCh37 (hg19) VCF-style: chr14-67635661-T-C.
Other names: c.1888T>C, p.Ser630Pro (NM_001024218.2); c.2047T>C, p.Ser683Pro (NM_001377514.1); c.2017T>C, p.Ser673Pro (NM_001377515.1); c.2008T>C, p.Ser670Pro (NM_001377516.1); c.1960T>C, p.Ser654Pro (NM_001377517.1); c.1945T>C, p.Ser649Pro (NM_001377518.1); c.1927T>C, p.Ser643Pro (NM_001377519.1); c.1987T>C (NM_020806.4); short protein forms S643P, S673P, S663P, S670P, S630P, S649P, S654P, S683P.
Identifiers: ClinVar variation 1444945 (VCV001444945.10), dbSNP rs762085852, ClinGen allele CA7234243.

ClinVar aggregate classification (germline): Uncertain significance. Review status: criteria provided, multiple submitters, no conflicts (2 of 4 stars). 3 submissions from 3 submitters: Uncertain significance (3). Last evaluated 2025-05-11.

Conditions:
Sulfite oxidase deficiency due to molybdenum cofactor deficiency type C. Also called: Molybdenum cofactor deficiency, complementation group C; Molybdenum cofactor deficiency C. Identifiers: Orphanet 308400, Orphanet 833, MedGen C1854990, MONDO:0014212, OMIM 615501.
Inborn genetic diseases. Identifiers: MedGen C0950123, MeSH D030342.

Allele frequency attached by ClinVar (database versions not stated): gnomAD exomes 0.00002 and 0.00003; ExAC 0.00006.
gnomAD v4.1: 16 of 1,608,428 alleles (0.00099%); highest among the groups gnomAD compares: Non-Finnish European, 0.00077%; no homozygotes.

Submissions (3):

Ambry Genetics
Classification: Uncertain significance for Inborn genetic diseases. Last evaluated: 2025-05-11. Review status: criteria provided, single submitter. Criteria: Ambry Variant Classification Scheme 2023. Collection method: clinical testing. Allele origin: germline.

Blueprint Genetics
Classification: Uncertain significance. Last evaluated: 2023-08-10. Review status: criteria provided, single submitter. Criteria: ACMG Guidelines, 2015. Collection method: clinical testing. Allele origin: germline.

Labcorp Genetics (formerly Invitae), Labcorp
Classification: Uncertain significance for Sulfite oxidase deficiency due to molybdenum cofactor deficiency type C. Last evaluated: 2021-03-19. Review status: criteria provided, single submitter. Criteria: Invitae Variant Classification Sherloc (09022015). Collection method: clinical testing. Allele origin: germline.
Comment: This sequence change replaces serine with proline at codon 663 of the GPHN protein (p.Ser663Pro). The serine residue is highly conserved and there is a moderate physicochemical difference between serine and proline. In summary, the available evidence is currently insufficient to determine the role of this variant in disease. Therefore, it has been classified as a Variant of Uncertain Significance. Algorithms developed to predict the effect of missense changes on protein structure and function are either unavailable or do not agree on the potential impact of this missense change (SIFT: "Deleterious"; PolyPhen-2: "Possibly Damaging"; Align-GVGD: "Class C0"). This variant has not been reported in the literature in individuals with GPHN-related conditions. This variant is present in population databases (rs762085852, ExAC 0.02%).